The following is an entry in ClinVar:

NM_003859.3(DPM1):c.71A>G (p.Gln24Arg)

Genes: DPM1 (dolichyl-phosphate mannosyltransferase subunit 1, catalytic; minus strand), LOC130066166 (ATAC-STARR-seq lymphoblastoid active region 18108; plus strand). Cytogenetic location: 20q13.13.
Variant type: single nucleotide variant.
Coding change: c.71A>G on transcript NM_003859.3 (MANE Select); coding-DNA position 71, A replaced by G.
Protein change: p.Gln24Arg; replaces glutamine 24 with arginine.
Molecular consequence: missense variant. On other transcripts: non-coding transcript variant (1).
Genome position (GRCh38, 1-based): chr20:50,958,453, T>C on the plus strand (A>G on the coding strand, the complement: DPM1 is on the minus strand). VCF-style: chr20-50958453-T-C. GRCh37 (hg19) VCF-style: chr20-49574990-T-C.
Other names: c.71A>G, p.Gln24Arg (NM_001317034.1, NM_001317035.1, NM_001317036.1); short protein forms Q24R.
Identifiers: ClinVar variation 1047819 (VCV001047819.9), dbSNP rs1986960670, ClinGen allele CA408980998.

ClinVar aggregate classification (germline): Uncertain significance (1 of 4 stars; one submission).

Conditions:
Congenital disorder of glycosylation type 1E (CDG1E). Also called: CDG Ie; CONGENITAL DISORDER OF GLYCOSYLATION, TYPE Ie. Identifiers: Orphanet 79322, MedGen C1837396, MONDO:0012123, OMIM 608799.

Allele frequency attached by ClinVar (database versions not stated): gnomAD exomes below 0.00001.

Submission:

Labcorp Genetics (formerly Invitae), Labcorp
Classification: Uncertain significance for Congenital disorder of glycosylation type 1E. Last evaluated: 2022-06-20. Review status: criteria provided, single submitter. Criteria: Invitae Variant Classification Sherloc (09022015). Collection method: clinical testing. Allele origin: germline.
Comment: In summary, the available evidence is currently insufficient to determine the role of this variant in disease. Therefore, it has been classified as a Variant of Uncertain Significance. Algorithms developed to predict the effect of missense changes on protein structure and function output the following: SIFT: "Tolerated"; PolyPhen-2: "Benign"; Align-GVGD: "Class C0". The arginine amino acid residue is found in multiple mammalian species, which suggests that this missense change does not adversely affect protein function. ClinVar contains an entry for this variant (Variation ID: 1047819). This variant has not been reported in the literature in individuals affected with DPM1-related conditions. This variant is not present in population databases (gnomAD no frequency). This sequence change replaces glutamine, which is neutral and polar, with arginine, which is basic and polar, at codon 24 of the DPM1 protein (p.Gln24Arg).